The following is an entry in ClinVar:

NM_004260.4(RECQL4):c.1562G>C (p.Arg521Pro)

Gene: RECQL4 (RecQ like helicase 4; minus strand). Cytogenetic location: 8q24.3.
Variant type: single nucleotide variant.
Coding change: c.1562G>C on transcript NM_004260.4 (MANE Select); coding-DNA position 1562, G replaced by C.
Protein change: p.Arg521Pro; replaces arginine 521 with proline.
Molecular consequence: missense variant. On other transcripts: non-coding transcript variant (3).
Genome position (GRCh38, 1-based): chr8:144,514,994, C>G on the plus strand (G>C on the coding strand, the complement: RECQL4 is on the minus strand). VCF-style: chr8-144514994-C-G. GRCh37 (hg19) VCF-style: chr8-145740378-C-G.
Other names: c.1466G>C, p.Arg489Pro (NM_001413017.1, NM_001413020.1); c.1562G>C, p.Arg521Pro (NM_001413018.1, NM_001413019.1, NM_001413033.1 and 1 more transcripts); c.491G>C, p.Arg164Pro (NM_001413021.1, NM_001413022.1, NM_001413023.1 and 7 more transcripts); c.1433G>C, p.Arg478Pro (NM_001413025.1); c.425G>C, p.Arg142Pro (NM_001413027.1, NM_001413030.1, NM_001413031.1 and 2 more transcripts); c.1211G>C, p.Arg404Pro (NM_001413029.1); c.1532G>C, p.Arg511Pro (NM_001413039.1); c.461G>C, p.Arg154Pro (NM_001413042.1); and 1 more; short protein forms R32P, R478P, R164P, R489P, R511P, R142P, R154P, R404P.
Identifiers: ClinVar variation 2864358 (VCV002864358.3), dbSNP rs747019774, ClinGen allele CA372683740.

ClinVar aggregate classification (germline): Uncertain significance (1 of 4 stars; one submission).

Conditions:
Baller-Gerold syndrome (BGS). Also called: CRANIOSYNOSTOSIS WITH RADIAL DEFECTS. Identifiers: Orphanet 1225, MedGen C0265308, MONDO:0009039, OMIM 218600.

Submission:

Labcorp Genetics (formerly Invitae), Labcorp
Classification: Uncertain significance for Baller-Gerold syndrome. Last evaluated: 2023-05-15. Review status: criteria provided, single submitter. Criteria: Invitae Variant Classification Sherloc (09022015). Collection method: clinical testing. Allele origin: germline.
Comment: In summary, the available evidence is currently insufficient to determine the role of this variant in disease. Therefore, it has been classified as a Variant of Uncertain Significance. Advanced modeling of protein sequence and biophysical properties (such as structural, functional, and spatial information, amino acid conservation, physicochemical variation, residue mobility, and thermodynamic stability) performed at Invitae indicates that this missense variant is expected to disrupt RECQL4 protein function. This variant has not been reported in the literature in individuals affected with RECQL4-related conditions. This variant is not present in population databases (gnomAD no frequency). This sequence change replaces arginine, which is basic and polar, with proline, which is neutral and non-polar, at codon 521 of the RECQL4 protein (p.Arg521Pro).